The following is an entry in ClinVar:

ClinVar aggregate classification (germline): Uncertain significance (1 of 4 stars; one submission).

Allele frequency attached by ClinVar (database versions not stated): gnomAD 0.00004; gnomAD exomes 0.00004; TOPMed 0.00004; ExAC 0.00005.
gnomAD v4.1: 266 of 1,614,082 alleles (0.016%); highest among the groups gnomAD compares: Non-Finnish European, 0.022%; no homozygotes.

Submission:

Labcorp Genetics (formerly Invitae), Labcorp
Classification: Uncertain significance. Last evaluated: 2022-08-23. Review status: criteria provided, single submitter. Criteria: Invitae Variant Classification Sherloc (09022015). Collection method: clinical testing. Allele origin: germline.
Comment: This sequence change replaces methionine, which is neutral and non-polar, with threonine, which is neutral and polar, at codon 361 of the MAP3K20 protein (p.Met361Thr). This variant is present in population databases (rs764005575, gnomAD 0.009%). This variant has not been reported in the literature in individuals affected with MAP3K20-related conditions. ClinVar contains an entry for this variant (Variation ID: 1401084). Experimental studies and prediction algorithms are not available or were not evaluated, and the functional significance of this variant is currently unknown. In summary, the available evidence is currently insufficient to determine the role of this variant in disease. Therefore, it has been classified as a Variant of Uncertain Significance.

NM_016653.3(MAP3K20):c.1082T>C (p.Met361Thr)

Genes: MAP3K20 (mitogen-activated protein kinase kinase kinase 20; plus strand), MAP3K20-AS1 (MAP3K20 antisense RNA 1; minus strand). Cytogenetic location: 2q31.1.
Variant type: single nucleotide variant.
Coding change: c.1082T>C on transcript NM_016653.3 (MANE Select); coding-DNA position 1082, T replaced by C.
Protein change: p.Met361Thr; replaces methionine 361 with threonine.
Molecular consequence: missense variant.
Genome position (GRCh38, 1-based): chr2:173,232,338, T>C. VCF-style: chr2-173232338-T-C. GRCh37 (hg19) VCF-style: chr2-174097066-T-C.
Other names: short protein forms M361T.
Identifiers: ClinVar variation 1401084 (VCV001401084.4), dbSNP rs764005575, ClinGen allele CA1970739.